The following is an entry in ClinVar:

ClinVar aggregate classification (germline): Uncertain significance (1 of 4 stars; one submission).

Conditions:
Joubert syndrome. Also called: CEREBELLOPARENCHYMAL DISORDER IV; JOUBERT-BOLTSHAUSER SYNDROME; Familial aplasia of the vermis. Identifiers: Orphanet 475, MedGen C5979921, MONDO:0018772.
Nephronophthisis. Also called: Juvenile Nephronophthisis. Identifiers: Orphanet 655, MedGen C0687120, MONDO:0019005, HP:0000090.
Meckel-Gruber syndrome. Also called: DYSENCEPHALIA SPLANCHNOCYSTICA; GRUBER SYNDROME; Dysencephalia splachnocystica. Identifiers: Orphanet 564, MedGen C0265215, MONDO:0018921.

Submission:

Labcorp Genetics (formerly Invitae), Labcorp
Classification: Uncertain significance for Joubert syndrome; Meckel-Gruber syndrome; Nephronophthisis. Last evaluated: 2022-11-08. Review status: criteria provided, single submitter. Criteria: Invitae Variant Classification Sherloc (09022015). Collection method: clinical testing. Allele origin: germline.
Comment: This sequence change replaces histidine, which is basic and polar, with glutamine, which is neutral and polar, at codon 817 of the CEP290 protein (p.His817Gln). In summary, the available evidence is currently insufficient to determine the role of this variant in disease. Therefore, it has been classified as a Variant of Uncertain Significance. Advanced modeling of protein sequence and biophysical properties (such as structural, functional, and spatial information, amino acid conservation, physicochemical variation, residue mobility, and thermodynamic stability) performed at Invitae indicates that this missense variant is expected to disrupt CEP290 protein function. ClinVar contains an entry for this variant (Variation ID: 1354490). This variant has not been reported in the literature in individuals affected with CEP290-related conditions. This variant is not present in population databases (gnomAD no frequency).

NM_025114.4(CEP290):c.2451T>A (p.His817Gln)

Gene: CEP290 (centrosomal protein 290; minus strand). Cytogenetic location: 12q21.32.
Variant type: single nucleotide variant.
Coding change: c.2451T>A on transcript NM_025114.4 (MANE Select); coding-DNA position 2451, T replaced by A.
Protein change: p.His817Gln; replaces histidine 817 with glutamine.
Molecular consequence: missense variant.
Genome position (GRCh38, 1-based): chr12:88,109,098, A>T on the plus strand (T>A on the coding strand, the complement: CEP290 is on the minus strand). VCF-style: chr12-88109098-A-T. GRCh37 (hg19) VCF-style: chr12-88502875-A-T.
Other names: short protein forms H817Q.
Identifiers: ClinVar variation 1354490 (VCV001354490.8), dbSNP rs2038492778, ClinGen allele CA385972672.